The following is an entry in ClinVar:

NM_000238.4(KCNH2):c.947T>A (p.Leu316His)

Gene: KCNH2 (potassium voltage-gated channel subfamily H member 2; minus strand). Cytogenetic location: 7q36.1.
Variant type: single nucleotide variant.
Coding change: c.947T>A on transcript NM_000238.4 (MANE Select); coding-DNA position 947, T replaced by A.
Protein change: p.Leu316His; replaces leucine 316 with histidine.
Molecular consequence: missense variant.
Genome position (GRCh38, 1-based): chr7:150,957,472, A>T on the plus strand (T>A on the coding strand, the complement: KCNH2 is on the minus strand). VCF-style: chr7-150957472-A-T. GRCh37 (hg19) VCF-style: chr7-150654560-A-T.
Other names: c.659T>A, p.Leu220His (NM_001406753.1, NM_001406756.1); c.770T>A, p.Leu257His (NM_001406755.1); c.647T>A, p.Leu216His (NM_001406757.1); c.947T>A, p.Leu316His (NM_172056.3); short protein forms L316H, L216H, L220H, L257H.
Identifiers: ClinVar variation 1512803 (VCV001512803.7), dbSNP rs1801414094, ClinGen allele CA072276.

ClinVar aggregate classification (germline): Uncertain significance (1 of 4 stars; one submission).

Conditions:
Long QT syndrome (LQTS). Identifiers: MedGen C0023976, MeSH D008133, MONDO:0002442. Disease mechanism: loss of function. Inheritance: Various modes of inheritance.

Allele frequency attached by ClinVar (database versions not stated): TOPMed below 0.00001.

Submission:

Labcorp Genetics (formerly Invitae), Labcorp
Classification: Uncertain significance for Long QT syndrome. Last evaluated: 2025-12-14. Review status: criteria provided, single submitter. Criteria: Invitae Variant Classification Sherloc (09022015). Collection method: clinical testing. Allele origin: germline.
Comment: This sequence change replaces leucine, which is neutral and non-polar, with histidine, which is basic and polar, at codon 316 of the KCNH2 protein (p.Leu316His). This variant is not present in population databases (gnomAD no frequency). This variant has not been reported in the literature in individuals affected with KCNH2-related conditions. ClinVar contains an entry for this variant (Variation ID: 1512803). An algorithm developed to predict the effect of missense changes on protein structure and function (PolyPhen-2) suggests that this variant is likely to be disruptive. In summary, the available evidence is currently insufficient to determine the role of this variant in disease. Therefore, it has been classified as a Variant of Uncertain Significance.